The following is an entry in ClinVar:

NM_004629.2(FANCG):c.202C>G (p.Pro68Ala)

Gene: FANCG (FA complementation group G; minus strand). Cytogenetic location: 9p13.3.
Variant type: single nucleotide variant.
Coding change: c.202C>G on transcript NM_004629.2 (MANE Select); coding-DNA position 202, C replaced by G.
Protein change: p.Pro68Ala; replaces proline 68 with alanine.
Molecular consequence: missense variant.
Genome position (GRCh38, 1-based): chr9:35,078,710, G>C on the plus strand (C>G on the coding strand, the complement: FANCG is on the minus strand). VCF-style: chr9-35078710-G-C. GRCh37 (hg19) VCF-style: chr9-35078707-G-C.
Other names: short protein forms P68A.
Identifiers: ClinVar variation 4841405 (VCV004841405.1).

ClinVar aggregate classification (germline): Uncertain significance (1 of 4 stars; one submission).

Conditions:
Inborn genetic diseases. Identifiers: MedGen C0950123, MeSH D030342.

Submission:

Ambry Genetics
Classification: Uncertain significance for Inborn genetic diseases. Last evaluated: 2025-12-28. Review status: criteria provided, single submitter. Criteria: Ambry Variant Classification Scheme 2023. Collection method: clinical testing. Allele origin: germline.
Comment: The p.P68A variant (also known as c.202C>G), located in coding exon 3 of the FANCG gene, results from a C to G substitution at nucleotide position 202. The proline at codon 68 is replaced by alanine, an amino acid with highly similar properties. This amino acid position is conserved. In addition, this alteration is predicted to be tolerated by in silico analysis. Based on the available evidence, the clinical significance of this variant remains unclear.